The following is an entry in ClinVar:

ClinVar aggregate classification (germline): Conflicting classifications of pathogenicity. Review status: criteria provided, conflicting classifications (1 of 4 stars). 11 submissions from 10 submitters: Uncertain significance (1); Benign (2); Likely benign (6). 2 of the submissions do not count toward it. Last evaluated 2026-01-28.

Conditions:
Catecholaminergic polymorphic ventricular tachycardia (CVPT). Also called: Catecholamine-induced polymorphic ventricular tachycardia. Identifiers: Orphanet 3286, MedGen C5574922, MONDO:0017990.
Cardiomyopathy (CMYO). Also called: Cardiomyopathies. Identifiers: Orphanet 167848, MedGen C0878544, MONDO:0004994, HP:0001638. Inheritance: Various modes of inheritance.
Catecholaminergic polymorphic ventricular tachycardia 1. Also called: VENTRICULAR TACHYCARDIA, CATECHOLAMINERGIC POLYMORPHIC, 1, WITH OR WITHOUT ATRIAL DYSFUNCTION AND/OR DILATED CARDIOMYOPATHY; RYR2-Related Catecholaminergic Polymorphic Ventricular Tachycardia; VENTRICULAR TACHYCARDIA, STRESS-INDUCED POLYMORPHIC 1. Identifiers: Orphanet 3286, MedGen C1631597, MONDO:0011484, OMIM 604772.
Arrhythmogenic right ventricular dysplasia 2. Identifiers: MedGen C1832931.

Allele frequency attached by ClinVar (database versions not stated): TOPMed 0.00015; gnomAD exomes 0.00017 and 0.00031; gnomAD 0.00018 and 0.00019; ExAC 0.00022; ESP Exome Variant Server 0.00042.
gnomAD v4.1: 464 of 1,611,616 alleles (0.029%); highest among the groups gnomAD compares: Non-Finnish European, 0.038%; no homozygotes.

Submissions (11):

Labcorp Genetics (formerly Invitae), Labcorp
Classification: Likely benign for Catecholaminergic polymorphic ventricular tachycardia 1. Last evaluated: 2026-01-28. Review status: criteria provided, single submitter. Criteria: Invitae Variant Classification Sherloc (09022015). Collection method: clinical testing. Allele origin: germline.

Blueprint Genetics
Classification: Likely benign. Last evaluated: 2024-11-25. Review status: criteria provided, single submitter. Criteria: ACMG Guidelines, 2015. Collection method: clinical testing. Allele origin: germline.

All of Us Research Program, National Institutes of Health
Classification: Likely benign for Catecholaminergic polymorphic ventricular tachycardia. Last evaluated: 2024-01-11. Review status: criteria provided, single submitter. Criteria: ACMG Guidelines, 2015. Collection method: clinical testing. Allele origin: germline. Inheritance: Autosomal dominant inheritance. Observed: 47 variant alleles, 47 heterozygotes.
Comment: This study involves interpretation of variants in research participants for the purpose of population health screening. Participant phenotype was not available at the time of variant classification. Additional details can be found in publication PMID: 35346344, PMCID: PMC8962531

ARUP Laboratories, Molecular Genetics and Genomics, ARUP Laboratories
Classification: Likely benign. Last evaluated: 2022-03-09. Review status: criteria provided, single submitter. Criteria: ARUP Molecular Germline Variant Investigation Process 2021. Collection method: clinical testing. Allele origin: germline.

Women's Health and Genetics/Laboratory Corporation of America, LabCorp
Classification: Benign. Last evaluated: 2021-12-04. Review status: criteria provided, single submitter. Criteria: LabCorp Variant Classification Summary - May 2015. Collection method: clinical testing. Allele origin: germline.

Color Diagnostics, LLC DBA Color Health
Classification: Likely benign for Cardiomyopathy. Last evaluated: 2018-07-02. Review status: criteria provided, single submitter. Criteria: ACMG Guidelines, 2015. Collection method: clinical testing. Allele origin: germline.

Illumina Laboratory Services, Illumina
Classification: Uncertain significance for Catecholaminergic polymorphic ventricular tachycardia 1. Last evaluated: 2018-01-13. Review status: criteria provided, single submitter. Criteria: ICSL Variant Classification Criteria 13 December 2019. Collection method: clinical testing. Allele origin: germline.

Illumina Laboratory Services, Illumina
Classification: Likely benign for Catecholaminergic polymorphic ventricular tachycardia 1. Last evaluated: 2018-01-13. Review status: criteria provided, single submitter. Criteria: ICSL Variant Classification Criteria 13 December 2019. Collection method: clinical testing. Allele origin: germline.
Comment: This variant was observed in the ICSL laboratory as part of a predisposition screen in an ostensibly healthy population. It had not been previously curated by ICSL or reported in the Human Gene Mutation Database (HGMD: prior to June 1st, 2018), and was therefore a candidate for classification through an automated scoring system. Utilizing variant allele frequency, disease prevalence and penetrance estimates, and inheritance mode, an automated score was calculated to assess if this variant is too frequent to cause the disease. Based on the score and internal cut-off values, a variant classified as likely benign is not then subjected to further curation. The score for this variant resulted in a classification of likely benign for this disease.

GeneDx
Classification: Benign. Last evaluated: 2015-03-03. Review status: criteria provided, single submitter. Criteria: GeneDx Variant Classification Process June 2021. Collection method: clinical testing. Allele origin: germline. Affected: yes.

Clinical Genetics, Academic Medical Center
Classification: Benign. Review status: no assertion criteria provided. Collection method: clinical testing. Allele origin: germline. Affected: yes. Study: VKGL Data-share Consensus. Not counted in ClinVar's aggregate classification.

Joint Genome Diagnostic Labs from Nijmegen and Maastricht, Radboudumc and MUMC+
Classification: Likely benign. Review status: no assertion criteria provided. Collection method: clinical testing. Allele origin: germline. Affected: yes. Study: VKGL Data-share Consensus. Not counted in ClinVar's aggregate classification.

NM_001035.3(RYR2):c.1006-12C>T

Gene: RYR2 (ryanodine receptor 2; plus strand). Cytogenetic location: 1q43.
Variant type: single nucleotide variant.
Coding change: c.1006-12C>T on transcript NM_001035.3 (MANE Select); 12 bases into the intron before coding-DNA position 1006, C replaced by T.
Molecular consequence: intron variant.
Genome position (GRCh38, 1-based): chr1:237,441,307, C>T. VCF-style: chr1-237441307-C-T. GRCh37 (hg19) VCF-style: chr1-237604607-C-T.
Other names: c.1006-12C>T (LRG_402t1).
Identifiers: ClinVar variation 296708 (VCV000296708.25), dbSNP rs367998175, ClinGen allele CA084121.
Genomic context (GRCh38, chr1:237,441,307, plus strand): 5'-GGCAAAATTCTATTGCCATACACTAGTATTTTTGAAATGTTTACTGACCTTTTTTTCCTC[C>T]TCTCCCCTTAGGAAAAATTGGATGTAGGGGTGAGAAAAGAAGTAGATGGCATGGGAACAT-3'